The following is an entry in ClinVar:

ClinVar aggregate classification (germline): Pathogenic (1 of 4 stars; one submission).

Conditions:
Early-infantile DEE. Also called: Early infantile epileptic encephalopathy; Ohtahara syndrome; Early infantile epileptic encephalopathy with suppression bursts. Identifiers: Orphanet 1934, MedGen C0393706, MONDO:0800491.

Submission:

Labcorp Genetics (formerly Invitae), Labcorp
Classification: Pathogenic for Early-infantile DEE. Last evaluated: 2025-12-24. Review status: criteria provided, single submitter. Criteria: Invitae Variant Classification Sherloc (09022015). Collection method: clinical testing. Allele origin: germline.
Comment: This sequence change replaces tyrosine, which is neutral and polar, with cysteine, which is neutral and slightly polar, at codon 347 of the KCNQ2 protein (p.Tyr347Cys). This variant is not present in population databases (gnomAD no frequency). This missense change has been observed in individual(s) with KCNQ2-related conditions (PMID: 34711204). In at least one individual the variant was observed to be de novo. ClinVar contains an entry for this variant (Variation ID: 3637731). Invitae Evidence Modeling of protein sequence and biophysical properties (such as structural, functional, and spatial information, amino acid conservation, physicochemical variation, residue mobility, and thermodynamic stability) indicates that this missense variant is expected to disrupt KCNQ2 protein function with a positive predictive value of 95%. This variant disrupts the p.Tyr347 amino acid residue in KCNQ2. Other variant(s) that disrupt this residue have been observed in individuals with KCNQ2-related conditions (PMID: 33811133), which suggests that this may be a clinically significant amino acid residue. For these reasons, this variant has been classified as Pathogenic.

Literature cited by the submitters: PubMed 34711204; PubMed 33811133.

NM_172107.4(KCNQ2):c.1040A>G (p.Tyr347Cys)

Gene: KCNQ2 (potassium voltage-gated channel subfamily Q member 2; minus strand). Cytogenetic location: 20q13.33.
Variant type: single nucleotide variant.
Coding change: c.1040A>G on transcript NM_172107.4 (MANE Select); coding-DNA position 1040, A replaced by G.
Protein change: p.Tyr347Cys; replaces tyrosine 347 with cysteine.
Molecular consequence: missense variant.
Genome position (GRCh38, 1-based): chr20:63,433,887, T>C on the plus strand (A>G on the coding strand, the complement: KCNQ2 is on the minus strand). VCF-style: chr20-63433887-T-C. GRCh37 (hg19) VCF-style: chr20-62065240-T-C.
Other names: c.1040A>G, p.Tyr347Cys (NM_172109.3, NM_001382235.1, NM_004518.6 and 2 more transcripts); short protein forms Y347C.
Identifiers: ClinVar variation 3637731 (VCV003637731.2).